The following is an entry in ClinVar:

ClinVar aggregate classification (germline): Uncertain significance (1 of 4 stars; one submission).

Conditions:
Rhabdoid tumor predisposition syndrome 2 (RTPS2). Identifiers: Orphanet 231108, Orphanet 69077, MedGen C2750074, MONDO:0013224, OMIM 613325.

Submission:

Labcorp Genetics (formerly Invitae), Labcorp
Classification: Uncertain significance for Rhabdoid tumor predisposition syndrome 2. Last evaluated: 2025-07-17. Review status: criteria provided, single submitter. Criteria: Invitae Variant Classification Sherloc (09022015). Collection method: clinical testing. Allele origin: germline.
Comment: This sequence change falls in intron 17 of the SMARCA4 gene. It does not directly change the encoded amino acid sequence of the SMARCA4 protein. It affects a nucleotide within the consensus splice site. The frequency data for this variant in the population databases is considered unreliable, as metrics indicate poor data quality at this position in the gnomAD database. This variant has not been reported in the literature in individuals affected with SMARCA4-related conditions. ClinVar contains an entry for this variant (Variation ID: 1009753). Variants that disrupt the consensus splice site are a relatively common cause of aberrant splicing (PMID: 17576681, 9536098). Algorithms developed to predict the effect of sequence changes on RNA splicing suggest that this variant is not likely to affect RNA splicing. In summary, the available evidence is currently insufficient to determine the role of this variant in disease. Therefore, it has been classified as a Variant of Uncertain Significance.

Literature cited by the submitters: PubMed 17576681; PubMed 9536098.

NM_003072.5(SMARCA4):c.2505+6T>C

Gene: SMARCA4 (SWI/SNF related BAF chromatin remodeling complex subunit ATPase 4; plus strand). Cytogenetic location: 19p13.2.
Variant type: single nucleotide variant.
Coding change: c.2505+6T>C on transcript NM_003072.5 (MANE Select); 6 bases into the intron after coding-DNA position 2505, T replaced by C.
Molecular consequence: intron variant.
Genome position (GRCh38, 1-based): chr19:11,019,029, T>C. VCF-style: chr19-11019029-T-C. GRCh37 (hg19) VCF-style: chr19-11129705-T-C.
Other names: c.2505+6T>C (NM_001128844.3, NM_001128849.3, NM_001128847.4 and 4 more transcripts).
Identifiers: ClinVar variation 1009753 (VCV001009753.8), dbSNP rs1255103191, ClinGen allele CA631758807.